The following is an entry in ClinVar:

NM_032608.7(MYO18B):c.3008C>T (p.Pro1003Leu)

Gene: MYO18B (myosin XVIIIB; plus strand). Cytogenetic location: 22q12.1.
Variant type: single nucleotide variant.
Coding change: c.3008C>T on transcript NM_032608.7 (MANE Select); coding-DNA position 3008, C replaced by T.
Protein change: p.Pro1003Leu; replaces proline 1003 with leucine.
Molecular consequence: missense variant.
Genome position (GRCh38, 1-based): chr22:25,832,945, C>T. VCF-style: chr22-25832945-C-T. GRCh37 (hg19) VCF-style: chr22-26228912-C-T.
Other names: c.3008C>T, p.Pro1003Leu (NM_001318245.2); short protein forms P1003L.
Identifiers: ClinVar variation 1465543 (VCV001465543.5), dbSNP rs749096808, ClinGen allele CA10160416.

ClinVar aggregate classification (germline): Uncertain significance (1 of 4 stars; one submission).

Allele frequency attached by ClinVar (database versions not stated): gnomAD 0.00001 and 0.00002; ExAC 0.00002; gnomAD exomes 0.00002; TOPMed 0.00004.
gnomAD v4.1: 19 of 1,613,666 alleles (0.0012%); highest among the groups gnomAD compares: East Asian, 0.0045%; no homozygotes.

Submission:

Labcorp Genetics (formerly Invitae), Labcorp
Classification: Uncertain significance. Last evaluated: 2022-08-16. Review status: criteria provided, single submitter. Criteria: Invitae Variant Classification Sherloc (09022015). Collection method: clinical testing. Allele origin: germline.
Comment: In summary, the available evidence is currently insufficient to determine the role of this variant in disease. Therefore, it has been classified as a Variant of Uncertain Significance. Algorithms developed to predict the effect of missense changes on protein structure and function are either unavailable or do not agree on the potential impact of this missense change (SIFT: "Not Available"; PolyPhen-2: "Possibly Damaging"; Align-GVGD: "Not Available"). ClinVar contains an entry for this variant (Variation ID: 1465543). This variant has not been reported in the literature in individuals affected with MYO18B-related conditions. This variant is present in population databases (rs749096808, gnomAD 0.005%). This sequence change replaces proline with leucine at codon 1003 of the MYO18B protein (p.Pro1003Leu). The proline residue is moderately conserved and there is a moderate physicochemical difference between proline and leucine.